The following is an entry in ClinVar:

ClinVar aggregate classification (germline): Uncertain significance (1 of 4 stars; one submission).

Conditions:
EGFR-related lung cancer (EGFR). Identifiers: MedGen CN130014.

Allele frequency attached by ClinVar (database versions not stated): gnomAD exomes below 0.00001; ExAC 0.00001.
gnomAD v4.1: 1 of 1,614,208 alleles (0.000062%); highest among the groups gnomAD compares: Non-Finnish European, 0.000085%; no homozygotes.

Submission:

Labcorp Genetics (formerly Invitae), Labcorp
Classification: Uncertain significance for EGFR-related lung cancer. Last evaluated: 2020-08-09. Review status: criteria provided, single submitter. Criteria: Invitae Variant Classification Sherloc (09022015). Collection method: clinical testing. Allele origin: germline.
Comment: This sequence change replaces threonine with methionine at codon 354 of the EGFR protein (p.Thr354Met). The threonine residue is moderately conserved and there is a moderate physicochemical difference between threonine and methionine. The frequency data for this variant in the population databases is considered unreliable, as metrics indicate poor data quality at this position in the ExAC database. This variant has not been reported in the literature in individuals with EGFR-related conditions. Algorithms developed to predict the effect of missense changes on protein structure and function are either unavailable or do not agree on the potential impact of this missense change (SIFT: "Tolerated"; PolyPhen-2: "Possibly Damaging"; Align-GVGD: "Class C0"). In summary, the available evidence is currently insufficient to determine the role of this variant in disease. Therefore, it has been classified as a Variant of Uncertain Significance.

NM_005228.5(EGFR):c.1061C>T (p.Thr354Met)

Genes: EGFR (epidermal growth factor receptor; plus strand), LOC126860048 (P300/CBP strongly-dependent group 1 enhancer GRCh37_chr7:55223847-55225046; plus strand). Cytogenetic location: 7p11.2.
Variant type: single nucleotide variant.
Coding change: c.1061C>T on transcript NM_005228.5 (MANE Select); coding-DNA position 1061, C replaced by T.
Protein change: p.Thr354Met; replaces threonine 354 with methionine.
Molecular consequence: missense variant.
Genome position (GRCh38, 1-based): chr7:55,156,587, C>T. VCF-style: chr7-55156587-C-T. GRCh37 (hg19) VCF-style: chr7-55224280-C-T.
Other names: c.926C>T, p.Thr309Met (NM_001346897.2, NM_001346899.2); c.1061C>T, p.Thr354Met (NM_001346898.2, NM_201282.2, NM_201283.2 and 1 more transcripts); c.902C>T, p.Thr301Met (NM_001346900.2); c.260C>T, p.Thr87Met (NM_001346941.2); short protein forms T301M, T309M, T354M, T87M.
Identifiers: ClinVar variation 1017568 (VCV001017568.9), dbSNP rs753466844, ClinGen allele CA4265469.